The following is an entry in ClinVar:

ClinVar aggregate classification (germline): Uncertain significance (1 of 4 stars; one submission).

gnomAD v4.1: 4 of 1,613,768 alleles (0.00025%); highest among the groups gnomAD compares: South Asian, 0.0011%; no homozygotes.

Submission:

GeneDx
Classification: Uncertain significance. Last evaluated: 2025-07-09. Review status: criteria provided, single submitter. Criteria: GeneDx Variant Classification Process June 2021. Collection method: clinical testing. Allele origin: germline. Affected: yes.
Comment: Not observed at significant frequency in large population cohorts (gnomAD); In silico analysis supports that this missense variant has a deleterious effect on protein structure/function; Has not been previously published as pathogenic or benign to our knowledge

NM_003024.3(ITSN1):c.4634T>C (p.Ile1545Thr)

Gene: ITSN1 (intersectin 1; plus strand). Cytogenetic location: 21q22.11.
Variant type: single nucleotide variant.
Coding change: c.4634T>C on transcript NM_003024.3 (MANE Select); coding-DNA position 4634, T replaced by C.
Protein change: p.Ile1545Thr; replaces isoleucine 1545 with threonine.
Molecular consequence: missense variant.
Genome position (GRCh38, 1-based): chr21:33,883,629, T>C. VCF-style: chr21-33883629-T-C. GRCh37 (hg19) VCF-style: chr21-35255933-T-C.
Other names: c.4619T>C, p.Ile1540Thr (NM_001331010.2); short protein forms I1540T, I1545T.
Identifiers: ClinVar variation 4685316 (VCV004685316.1).
Genomic context (GRCh38, chr21:33,883,629, plus strand): 5'-TTCTAGTAAAATTACCCACCGACCCTTCTGGAGACGAGCCCATCTTCCACATCTCCCACA[T>C]TGACCGCGTCTATACTCTCCGAGCAGAAAGCATAAATGAAAGGTGAGACCTGCCGCCTCC-3'
Protein context (NP_003015.2, residues 1535-1555): GDEPIFHISH[Ile1545Thr]DRVYTLRAES